The following is an entry in ClinVar:

ClinVar aggregate classification (germline): Likely benign. Review status: criteria provided, multiple submitters, no conflicts (2 of 4 stars). 3 submissions from 3 submitters: Likely benign (2). 1 of the submissions does not count toward it. Last evaluated 2025-09-17.

Conditions:
Telangiectasia, hereditary hemorrhagic, type 5 (HHT5). Identifiers: Orphanet 774, MedGen C3809710, MONDO:0014217, OMIM 615506.
GDF2-related disorder. Also called: GDF2-related condition.
Cardiovascular phenotype. Identifiers: MedGen CN230736.

Allele frequency attached by ClinVar (database versions not stated): ExAC 0.00001; gnomAD exomes 0.00001; TOPMed 0.00005; gnomAD 0.00006.
gnomAD v4.1: 84 of 1,613,790 alleles (0.0052%); highest among the groups gnomAD compares: Non-Finnish European, 0.0068%; no homozygotes.

Submissions (3):

Labcorp Genetics (formerly Invitae), Labcorp
Classification: Likely benign for Telangiectasia, hereditary hemorrhagic, type 5. Last evaluated: 2025-09-17. Review status: criteria provided, single submitter. Criteria: Invitae Variant Classification Sherloc (09022015). Collection method: clinical testing. Allele origin: germline.

Ambry Genetics
Classification: Likely benign for Cardiovascular phenotype. Last evaluated: 2020-03-22. Review status: criteria provided, single submitter. Criteria: Ambry Variant Classification Scheme 2023. Collection method: clinical testing. Allele origin: germline.

PreventionGenetics, part of Exact Sciences
Classification: Likely benign for GDF2-related condition. Last evaluated: 2020-04-21. Review status: no assertion criteria provided. Collection method: clinical testing. Allele origin: germline. Not counted in ClinVar's aggregate classification.
Comment: This variant is classified as likely benign based on ACMG/AMP sequence variant interpretation guidelines (Richards et al. 2015 PMID: 25741868, with internal and published modifications).

NM_016204.4(GDF2):c.654C>T (p.Asp218=)

Gene: GDF2 (growth differentiation factor 2; plus strand). Cytogenetic location: 10q11.22.
Variant type: single nucleotide variant.
Coding change: c.654C>T on transcript NM_016204.4 (MANE Select); coding-DNA position 654, C replaced by T.
Protein change: p.Asp218=; no amino-acid change (aspartic acid 218 retained).
Molecular consequence: synonymous variant.
Genome position (GRCh38, 1-based): chr10:47,325,148, C>T. VCF-style: chr10-47325148-C-T. GRCh37 (hg19) VCF-style: chr10-48414214-G-A.
Other names: c.654C>T (NM_016204.3).
Identifiers: ClinVar variation 1093666 (VCV001093666.13), dbSNP rs782545137, ClinGen allele CA5488058.
Genomic context (GRCh38, chr10:47,325,148, plus strand): 5'-GGATGAGGGCTGGGAGACCTTGGAAGTGTCCAGCGCCGTGAAGCGCTGGGTCCGGTCCGA[C>T]TCCACCAAGAGCAAAAATAAGCTGGAAGTGACTGTGGAGAGCCACAGGAAGGGCTGCGAC-3'
Protein context (NP_057288.1, residues 208-228): SSAVKRWVRS[Asp218=]STKSKNKLEV